The following is an entry in ClinVar:

ClinVar aggregate classification (germline): Pathogenic. Review status: criteria provided, multiple submitters, no conflicts (2 of 4 stars). 5 submissions from 5 submitters: Pathogenic (4). 1 of the submissions does not count toward it. Last evaluated 2025-03-04.

Conditions:
X-linked intellectual disability, Cantagrel type (XLID98). Also called: INTELLECTUAL DEVELOPMENTAL DISORDER, X-LINKED 98. Identifiers: Orphanet 85277, MedGen C3806730, MONDO:0010483, OMIM 300912.

Submissions (5):

Institute of Human Genetics, University of Leipzig Medical Center
Classification: Pathogenic for X-linked intellectual disability, Cantagrel type. Last evaluated: 2025-03-04. Review status: criteria provided, single submitter. Criteria: ACMG Guidelines, 2015. Collection method: clinical testing. Allele origin: de novo. Inheritance: Autosomal dominant inheritance. Affected: yes.
Comment: Criteria applied: PVS1,PS2_VSTR,PS4_MOD,PM2

Labcorp Genetics (formerly Invitae), Labcorp
Classification: Pathogenic. Last evaluated: 2023-11-10. Review status: criteria provided, single submitter. Criteria: Invitae Variant Classification Sherloc (09022015). Collection method: clinical testing. Allele origin: germline.
Comment: This sequence change creates a premature translational stop signal (p.Arg313*) in the NEXMIF gene. It is expected to result in an absent or disrupted protein product. Loss-of-function variants in NEXMIF are known to be pathogenic (PMID: 23615299). This variant is not present in population databases (gnomAD no frequency). This premature translational stop signal has been observed in individual(s) with intellectual disability and seizures (PMID: 27568816, 34580403). In at least one individual the variant was observed to be de novo. ClinVar contains an entry for this variant (Variation ID: 242327). For these reasons, this variant has been classified as Pathogenic.

CeGaT Center for Human Genetics Tuebingen
Classification: Pathogenic. Last evaluated: 2022-06-01. Review status: criteria provided, single submitter. Criteria: CeGaT Center For Human Genetics Tuebingen Variant Classification Criteria Version 2. Collection method: clinical testing. Allele origin: germline. Affected: yes. Observed: 4 variant alleles.
Comment: NEXMIF: PS2, PVS1:Strong, PM2, PS4:Moderate

GeneDx
Classification: Pathogenic. Last evaluated: 2022-02-18. Review status: criteria provided, single submitter. Criteria: GeneDx Variant Classification Process June 2021. Collection method: clinical testing. Allele origin: germline. Affected: yes.
Comment: Nonsense variant predicted to result in protein truncation or nonsense mediated decay in a gene for which loss-of-function is a known mechanism of disease; Not observed in large population cohorts (gnomAD); This variant is associated with the following publications: (PMID: 27568816)

Pediatric Genetics Clinic, Sheba Medical Center
Classification: Pathogenic for X-linked intellectual disability, Cantagrel type. Last evaluated: 2021-05-13. Review status: no assertion criteria provided. Collection method: clinical testing. Allele origin: de novo. Affected: yes. Observed: 1 heterozygote. Not counted in ClinVar's aggregate classification.

Literature cited by the submitters: PubMed 23615299 (cited by Labcorp Genetics (formerly Invitae), Labcorp); PubMed 27568816 (cited by Labcorp Genetics (formerly Invitae), Labcorp); PubMed 34580403 (cited by Labcorp Genetics (formerly Invitae), Labcorp).

NM_001008537.3(NEXMIF):c.937C>T (p.Arg313Ter)

Gene: NEXMIF (neurite extension and migration factor; minus strand). Cytogenetic location: Xq13.3.
Variant type: single nucleotide variant.
Coding change: c.937C>T on transcript NM_001008537.3 (MANE Select); coding-DNA position 937, C replaced by T.
Protein change: p.Arg313Ter; replaces arginine 313 with a stop codon.
Molecular consequence: nonsense.
Genome position (GRCh38, 1-based): chrX:74,743,620, G>A on the plus strand (C>T on the coding strand, the complement: NEXMIF is on the minus strand). VCF-style: chrX-74743620-G-A. GRCh37 (hg19) VCF-style: chrX-73963455-G-A.
Other names: short protein forms R313*.
Identifiers: ClinVar variation 242327 (VCV000242327.59), dbSNP rs878854425, ClinGen allele CA10583972.